The following is an entry in ClinVar:

ClinVar aggregate classification (germline): Pathogenic (1 of 4 stars; one submission).

Conditions:
Developmental and epileptic encephalopathy, 1 (DEE1). Also called: INFANTILE SPASM SYNDROME, X-LINKED 1; X-linked infantile spasms; West's syndrome; Tonic spasms with clustering, arrest of psychomotor development and hypsarrhythmia on EEG; X-Linked Infantile Spasm Syndrome; OHTAHARA SYNDROME, X-LINKED. Identifiers: MedGen C3463992, MONDO:0010632, OMIM 308350. Disease mechanism: loss of function.
Autosomal recessive spinocerebellar ataxia 12. Also called: SPINOCEREBELLAR ATAXIA WITH MENTAL RETARDATION AND EPILEPSY. Identifiers: Orphanet 284282, MedGen C3280452, MONDO:0013687, OMIM 614322.

Submission:

Labcorp Genetics (formerly Invitae), Labcorp
Classification: Pathogenic for Developmental and epileptic encephalopathy, 1; Autosomal recessive spinocerebellar ataxia 12. Last evaluated: 2020-10-09. Review status: criteria provided, single submitter. Criteria: Invitae Variant Classification Sherloc (09022015). Collection method: clinical testing. Allele origin: germline.
Comment: This variant is an out-of-frame deletion of the genomic region encompassing exon(s) 6-7 of the WWOX gene. This is expected to create a premature translational stop signal and result in an absent or disrupted protein product. This variant has been observed in individual(s) with WWOX-related conditions (PMID: 30356099). Loss-of-function variants in WWOX are known to be pathogenic (PMID: 24456803, 25411445). For these reasons, this variant has been classified as Pathogenic.

Literature cited by the submitters: PubMed 30356099; PubMed 24456803; PubMed 25411445.

NC_000016.9:g.(?_78420747)_(78458962_?)del

Gene: WWOX (WW domain containing oxidoreductase; plus strand). Cytogenetic location: 16q23.1.
Variant type: Deletion.
Identifiers: ClinVar variation 1076469 (VCV001076469.1).